The following is an entry in ClinVar:

ClinVar aggregate classification (germline): Uncertain significance (1 of 4 stars; one submission).

Conditions:
Hereditary cancer-predisposing syndrome. Also called: Neoplastic Syndromes, Hereditary; Tumor predisposition; Hereditary Cancer Syndrome; Hereditary neoplastic syndrome. Identifiers: Orphanet 140162, MedGen C0027672, MeSH D009386, MONDO:0015356.

Submission:

Ambry Genetics
Classification: Uncertain significance for Hereditary cancer-predisposing syndrome. Last evaluated: 2021-10-13. Review status: criteria provided, single submitter. Criteria: Ambry Variant Classification Scheme 2023. Collection method: clinical testing. Allele origin: germline.
Comment: The p.M61I variant (also known as c.183G>A), located in coding exon 2 of the PDGFRA gene, results from a G to A substitution at nucleotide position 183. The methionine at codon 61 is replaced by isoleucine, an amino acid with highly similar properties. This amino acid position is conserved. In addition, this alteration is predicted to be tolerated by in silico analysis. Since supporting evidence is limited at this time, the clinical significance of this alteration remains unclear.

NM_006206.6(PDGFRA):c.183G>A (p.Met61Ile)

Gene: PDGFRA (platelet derived growth factor receptor alpha; plus strand). Cytogenetic location: 4q12.
Variant type: single nucleotide variant.
Coding change: c.183G>A on transcript NM_006206.6 (MANE Select); coding-DNA position 183, G replaced by A.
Protein change: p.Met61Ile; replaces methionine 61 with isoleucine.
Molecular consequence: missense variant.
Genome position (GRCh38, 1-based): chr4:54,261,228, G>A. VCF-style: chr4-54261228-G-A. GRCh37 (hg19) VCF-style: chr4-55127395-G-A.
Other names: c.183G>A, p.Met61Ile (NM_001347827.2, NM_001347829.2); c.258G>A, p.Met86Ile (NM_001347828.2); c.222G>A, p.Met74Ile (NM_001347830.2); short protein forms M61I, M86I, M74I.
Identifiers: ClinVar variation 1781131 (VCV001781131.2), dbSNP rs2475422113, ClinGen allele CA356888434.